The following is an entry in ClinVar:

ClinVar aggregate classification (germline): Pathogenic (1 of 4 stars; one submission).

Conditions:
Sitosterolemia (STSL). Also called: PHYTOSTEROLEMIA. Identifiers: Orphanet 2882, MedGen C0342907, MONDO:0008863.

Submission:

Labcorp Genetics (formerly Invitae), Labcorp
Classification: Pathogenic for Sitosterolemia. Last evaluated: 2018-01-11. Review status: criteria provided, single submitter. Criteria: Invitae Variant Classification Sherloc (09022015). Collection method: clinical testing. Allele origin: germline.
Comment: This sequence change creates a premature translational stop signal (p.Glu326Aspfs*14) in the ABCG5 gene. It is expected to result in an absent or disrupted protein product. This variant is not present in population databases (ExAC no frequency). This variant has not been reported in the literature in individuals with ABCG5-related disease. ClinVar contains an entry for this variant (Variation ID: 222478). Loss-of-function variants in ABCG5 are known to be pathogenic (PMID: 11138003, 25665839). For these reasons, this variant has been classified as Pathogenic.

NM_022436.3(ABCG5):c.978del (p.Glu326fs)

Genes: ABCG5 (ATP binding cassette subfamily G member 5; minus strand), DYNC2LI1 (dynein cytoplasmic 2 light intermediate chain 1; plus strand). Cytogenetic location: 2p21.
Variant type: Deletion.
Coding change: c.978del on transcript NM_022436.3 (MANE Select); coding-DNA position 978, one base deleted (A; older notation c.978delA).
Protein change: p.Glu326fs; shifts the reading frame from glutamic acid 326.
Molecular consequence: frameshift variant. On other transcripts: intron variant (2).
Genome position (GRCh38, 1-based): chr2:43,824,359, T deleted on the plus strand (A on the coding strand, the reverse complement: ABCG5 is on the minus strand); the first of 2 consecutive T bases (chr2:43,824,359-43,824,360); deleting either gives the same sequence. VCF-style (leftmost placement, unchanged base first): chr2-43824358-AT-A. GRCh37 (hg19) VCF-style: chr2-44051497-AT-A.
Other names: c.*16-3026del (NM_001348913.2, NM_001348912.2); short protein forms E326fs.
Identifiers: ClinVar variation 222478 (VCV000222478.3), dbSNP rs869025350, ClinGen allele CA351754.